The following is an entry in ClinVar:

ClinVar aggregate classification (germline): Benign/Likely benign. Review status: criteria provided, multiple submitters, no conflicts (2 of 4 stars). 3 submissions from 3 submitters: Benign (1); Likely benign (2). Last evaluated 2026-01-02.

Conditions:
Epidermolysis bullosa simplex 5C, with pyloric atresia (EBS5C). Also called: PLEC-Related Epidermolysis Bullosa with Pyloric Atresia; Epidermolysis bullosa simplex with pyloric atresia; PLEC1-Related Epidermolysis Bullosa with Pyloric Atresia. Identifiers: Orphanet 158684, MedGen C2677349, MONDO:0012807, OMIM 612138.
Epidermolysis bullosa simplex, Ogna type (EBS5A). Also called: Pidermolysis bullosa simplex 5A, Ogna type; EPIDERMOLYSIS BULLOSA SIMPLEX 5A, OGNA TYPE. Identifiers: Orphanet 79401, MedGen C0432317, MONDO:0007555, OMIM 131950.
Epidermolysis bullosa simplex 5B, with muscular dystrophy (EBS5B). Also called: Epidermolysis bullosa simplex with muscular dystrophy; EPIDERMOLYSIS BULLOSA SIMPLEX AND LIMB-GIRDLE MUSCULAR DYSTROPHY. Identifiers: Orphanet 257, MedGen C2931072, MONDO:0009181, OMIM 226670.
Epidermolysis bullosa simplex with nail dystrophy (EBS5D). Identifiers: MedGen C4225309, MONDO:0014661, OMIM 616487.
Autosomal recessive limb-girdle muscular dystrophy type 2Q (LGMDR17). Also called: MUSCULAR DYSTROPHY, LIMB-GIRDLE, AUTOSOMAL RECESSIVE 17. Identifiers: Orphanet 254361, MedGen C3150989, MONDO:0013390, OMIM 613723.

Allele frequency attached by ClinVar (database versions not stated): gnomAD 0.00035 and 0.00041; TOPMed 0.00061; ESP Exome Variant Server 0.00064; 1000 Genomes Project 0.00200; 1000 Genomes Project 30x 0.00219.
gnomAD v4.1: 389 of 1,611,494 alleles (0.024%); highest among the groups gnomAD compares: East Asian, 0.53%; 1 homozygote.

Submissions (3):

Labcorp Genetics (formerly Invitae), Labcorp
Classification: Benign for Autosomal recessive limb-girdle muscular dystrophy type 2Q; Epidermolysis bullosa simplex, Ogna type; Epidermolysis bullosa simplex with nail dystrophy; Epidermolysis bullosa simplex 5C, with pyloric atresia; Epidermolysis bullosa simplex 5B, with muscular dystrophy. Last evaluated: 2026-01-02. Review status: criteria provided, single submitter. Criteria: Invitae Variant Classification Sherloc (09022015). Collection method: clinical testing. Allele origin: germline.

Blueprint Genetics
Classification: Likely benign. Last evaluated: 2024-07-25. Review status: criteria provided, single submitter. Criteria: ACMG Guidelines, 2015. Collection method: clinical testing. Allele origin: germline.

GeneDx
Classification: Likely benign. Last evaluated: 2018-03-22. Review status: criteria provided, single submitter. Criteria: GeneDx Variant Classification (06012015). Collection method: clinical testing. Allele origin: germline. Affected: yes.
Comment: This variant is considered likely benign or benign based on one or more of the following criteria: it is a conservative change, it occurs at a poorly conserved position in the protein, it is predicted to be benign by multiple in silico algorithms, and/or has population frequency not consistent with disease.

NM_201384.3(PLEC):c.13344C>T (p.Asp4448=)

Gene: PLEC (plectin; minus strand). Cytogenetic location: 8q24.3.
Variant type: single nucleotide variant.
Coding change: c.13344C>T on transcript NM_201384.3 (MANE Select); coding-DNA position 13344, C replaced by T.
Protein change: p.Asp4448=; no amino-acid change (aspartic acid 4448 retained).
Molecular consequence: synonymous variant.
Genome position (GRCh38, 1-based): chr8:143,916,477, G>A on the plus strand (C>T on the coding strand, the complement: PLEC is on the minus strand). VCF-style: chr8-143916477-G-A. GRCh37 (hg19) VCF-style: chr8-144990645-G-A.
Other names: c.13425C>T, p.Asp4475= (NM_000445.5); c.13302C>T, p.Asp4434= (NM_201378.4); c.13278C>T, p.Asp4426= (NM_201379.3); c.13755C>T, p.Asp4585= (NM_201380.4); c.13248C>T, p.Asp4416= (NM_201381.3); c.13344C>T, p.Asp4448= (NM_201382.4); c.13356C>T, p.Asp4452= (NM_201383.3).
Identifiers: ClinVar variation 478535 (VCV000478535.14), dbSNP rs192224737, ClinGen allele CA4923837.
Genomic context (GRCh38, chr8:143,916,477, plus strand): 5'-CGCGGCAGCCTCCAGCAGCCGCAGCCCCGTGCCCTCCTCCACCATGCTGCGGTCCAGCGC[G>A]TCCTTATAGGAGATCTTGAGCTTGGTCTTAGGGCAGGTGAGGTACTTGGAGTAGGCGCCC-3'
Protein context (NP_958786.1, residues 4438-4458): PKTKLKISYK[Asp4448=]ALDRSMVEEG